The following is an entry in ClinVar:

NC_000013.10:g.(?_51501523)_(51530610_?)del

Gene: RNASEH2B (ribonuclease H2 subunit B; plus strand). Cytogenetic location: 13q14.3.
Variant type: Deletion.
Identifiers: ClinVar variation 2426832 (VCV002426832.4).

ClinVar aggregate classification (germline): Pathogenic (1 of 4 stars; one submission).

Conditions:
Aicardi-Goutieres syndrome 2. Identifiers: Orphanet 51, MedGen C3489724, MONDO:0012429, OMIM 610181.

Submission:

Labcorp Genetics (formerly Invitae), Labcorp
Classification: Pathogenic for Aicardi-Goutieres syndrome 2. Last evaluated: 2021-11-01. Review status: criteria provided, single submitter. Criteria: Invitae Variant Classification Sherloc (09022015). Collection method: clinical testing. Allele origin: germline.
Comment: This variant is a gross deletion of the genomic region encompassing exon(s) 2-11 of the RNASEH2B gene, which includes the termination codon. This deletion extends beyond the assayed region for this gene and therefore may encompass additional genes. While this deletion is not anticipated to lead to nonsense mediated decay, it is expected to alter mRNA translation or result in a truncated protein product. This variant has not been reported in the literature in individuals affected with RNASEH2B-related conditions. This variant disrupts a region of the RNASEH2B protein in which other variant(s) (p.Ala177Thr) have been determined to be pathogenic (PMID: 16845400, 17846997, 18754903, 19694776, 20131292, 25243380, 25343331, 25604658, 26182405, 26846091). This suggests that this is a clinically significant region of the protein, and that variants that disrupt it are likely to be disease-causing. For these reasons, this variant has been classified as Pathogenic.

Literature cited by the submitters: PubMed 16845400; PubMed 17846997; PubMed 18754903; PubMed 19694776; PubMed 20131292; PubMed 25243380; PubMed 25343331; PubMed 25604658; PubMed 26182405; PubMed 26846091.